The following is an entry in ClinVar:

ClinVar aggregate classification (germline): Likely benign (1 of 4 stars; one submission).

gnomAD v4.1: 3 of 1,612,170 alleles (0.00019%); highest among the groups gnomAD compares: Non-Finnish European, 0.00025%; no homozygotes.

Submission:

Mayo Clinic Laboratories, Mayo Clinic
Classification: Likely benign. Last evaluated: 2025-05-07. Review status: criteria provided, single submitter. Criteria: ACMG Guidelines, 2015. Collection method: clinical testing. Allele origin: germline. Observed: 1 variant allele.
Comment: BP4, BP7

NM_002137.4(HNRNPA2B1):c.873T>C (p.Phe291=)

Gene: HNRNPA2B1 (heterogeneous nuclear ribonucleoprotein A2/B1; minus strand). Cytogenetic location: 7p15.2.
Variant type: single nucleotide variant.
Coding change: c.873T>C on transcript NM_002137.4 (MANE Select); coding-DNA position 873, T replaced by C.
Protein change: p.Phe291=; no amino-acid change (phenylalanine 291 retained).
Molecular consequence: synonymous variant.
Genome position (GRCh38, 1-based): chr7:26,193,342, A>G on the plus strand (T>C on the coding strand, the complement: HNRNPA2B1 is on the minus strand). VCF-style: chr7-26193342-A-G. GRCh37 (hg19) VCF-style: chr7-26232962-A-G.
Other names: p.Phe303=; c.873T>C, p.Phe291= (NM_001438063.1, NM_001438571.1, NM_001438572.1); c.909T>C, p.Phe303= (NM_001438568.1, NM_001438569.1, NM_001438570.1 and 1 more transcripts); c.789T>C, p.Phe263= (NM_001438573.1, NM_001438574.1); c.753T>C, p.Phe251= (NM_001438575.1, NM_001438576.1, NM_001438577.1 and 1 more transcripts).
Identifiers: ClinVar variation 4683257 (VCV004683257.1).